The following is an entry in ClinVar:

NM_000371.4(TTR):c.25C>T (p.Leu9Phe)

Gene: TTR (transthyretin; plus strand). Cytogenetic location: 18q12.1.
Variant type: single nucleotide variant.
Coding change: c.25C>T on transcript NM_000371.4 (MANE Select); coding-DNA position 25, C replaced by T.
Protein change: p.Leu9Phe; replaces leucine 9 with phenylalanine.
Molecular consequence: missense variant.
Genome position (GRCh38, 1-based): chr18:31,591,927, C>T. VCF-style: chr18-31591927-C-T. GRCh37 (hg19) VCF-style: chr18-29171890-C-T.
Other names: short protein forms L9F.
Identifiers: ClinVar variation 245725 (VCV000245725.9), dbSNP rs762243340, ClinGen allele CA8928379.

ClinVar aggregate classification (germline): Uncertain significance. Review status: criteria provided, multiple submitters, no conflicts (2 of 4 stars). 3 submissions from 3 submitters: Uncertain significance (3). Last evaluated 2025-05-07.

Conditions:
Cardiovascular phenotype. Identifiers: MedGen CN230736.
Amyloidosis, hereditary systemic 1 (AMYLD1). Also called: Familial amyloid polyneuropathy; AMYLOID CARDIOMYOPATHY; Isolated Cardiac Amyloidosis; Amyloid Cardiomyopathy, Transthyretin-related; Transthyretin Amyloidosis; Hereditary oculoleptomeningeal amyloid angiopathy. Identifiers: Orphanet 85447, Orphanet 85451, MedGen C2751492, MONDO:0971004, OMIM 105210.

Allele frequency attached by ClinVar (database versions not stated): ExAC 0.00001; gnomAD exomes 0.00001; TOPMed 0.00001.

Submissions (3):

Ambry Genetics
Classification: Uncertain significance for Cardiovascular phenotype. Last evaluated: 2025-05-07. Review status: criteria provided, single submitter. Criteria: Ambry Variant Classification Scheme 2023. Collection method: clinical testing. Allele origin: germline.
Comment: The p.L9F variant (also known as c.25C>T), located in coding exon 1 of the TTR gene, results from a C to T substitution at nucleotide position 25. The leucine at codon 9 is replaced by phenylalanine, an amino acid with highly similar properties. This amino acid position is well conserved in available vertebrate species. In addition, the in silico prediction for this alteration is inconclusive. Based on the available evidence, the clinical significance of this variant remains unclear.

Labcorp Genetics (formerly Invitae), Labcorp
Classification: Uncertain significance for Amyloidosis, hereditary systemic 1. Last evaluated: 2017-12-06. Review status: criteria provided, single submitter. Criteria: Invitae Variant Classification Sherloc (09022015). Collection method: clinical testing. Allele origin: germline.
Comment: In summary, the available evidence is currently insufficient to determine the role of this variant in disease. Therefore, it has been classified as a Variant of Uncertain Significance. Algorithms developed to predict the effect of missense changes on protein structure and function do not agree on the potential impact of this missense change (SIFT: "Tolerated"; PolyPhen-2: "Possibly Damaging"; Align-GVGD: "Class C0"). This variant has not been reported in the literature in individuals with TTR-related disease. ClinVar contains an entry for this variant (Variation ID: 245725). This variant is present in population databases (rs762243340, ExAC 0.001%). This sequence change replaces leucine with phenylalanine at codon 9 of the TTR protein (p.Leu9Phe). The leucine residue is moderately conserved and there is a small physicochemical difference between leucine and phenylalanine.

GeneDx
Classification: Uncertain significance. Last evaluated: 2015-04-21. Review status: criteria provided, single submitter. Criteria: GeneDx Variant Classification (06012015). Collection method: clinical testing. Allele origin: germline. Affected: yes.
Comment: The L9F variant has not been published as a pathogenic mutation, nor has it been reported as a benign polymorphism to our knowledge. The L9F variant was not observed in approximately 6,500 individuals of European and African American ancestry in the NHLBI Exome Sequencing Project, indicating it is not a common benign variant in these populations. This substitution occurs at a position that is conserved across species. In silico analysis predicts this variant is probably damaging to the protein structure/function. However, the L9F variant is a conservative amino acid substitution, which is not likely to impact secondary protein structure as these residues share similar properties. Additionally, no missense mutations in nearby residues have been reported in the Human Gene Mutation Database in association with amyloidosis (Stenson et al., 2014), suggesting this region of the protein may be tolerant of change.